The following is an entry in ClinVar:

NM_000322.5(PRPH2):c.454A>G (p.Met152Val)

Gene: PRPH2 (peripherin 2; minus strand). Cytogenetic location: 6p21.1.
Variant type: single nucleotide variant.
Coding change: c.454A>G on transcript NM_000322.5 (MANE Select); coding-DNA position 454, A replaced by G.
Protein change: p.Met152Val; replaces methionine 152 with valine.
Molecular consequence: missense variant.
Genome position (GRCh38, 1-based): chr6:42,721,881, T>C on the plus strand (A>G on the coding strand, the complement: PRPH2 is on the minus strand). VCF-style: chr6-42721881-T-C. GRCh37 (hg19) VCF-style: chr6-42689619-T-C.
Other names: short protein forms M152V.
Identifiers: ClinVar variation 846922 (VCV000846922.17), dbSNP rs146703538, ClinGen allele CA3808609.
Genomic context (GRCh38, chr6:42,721,881, plus strand): 5'-GAAAACCGTTGTTGCCGCAGCATTTGAACTCGATCTGCAGCATGTCGATGGTCTTCTTCA[T>C]GAAACACCTGCCAGGGGTGTCTGTGTCCCGGTAGTACTTCATGCCGTTCTTGAGCCCTTG-3'
Protein context (NP_000313.2, residues 142-162): RDTDTPGRCF[Met152Val]KKTIDMLQIE

ClinVar aggregate classification (germline): Conflicting classifications of pathogenicity. Review status: criteria provided, conflicting classifications (1 of 4 stars). 10 submissions from 5 submitters: Likely pathogenic (2); Uncertain significance (4); Benign (2); Likely benign (1). 1 of the submissions does not count toward it. Last evaluated 2025-10-13.

Conditions:
Retinal dystrophy. Also called: Inherited retinal dystrophy. Identifiers: Orphanet 71862, MedGen C0854723, MeSH D058499, MONDO:0019118, HP:0000556.
Retinitis pigmentosa (RP). Identifiers: Orphanet 791, MedGen C0035334, MeSH D012174, MONDO:0019200, OMIM 268000. Inheritance: Autosomal dominant, autosomal recessive and X linked inheritance.
Choroidal dystrophy, central areolar 2 (CACD2). Also called: MACULAR DYSTROPHY, PROGRESSIVE; Choriodal Dystrophy, Central Areolar 2. Identifiers: Orphanet 75377, MedGen C2751290, MONDO:0013137, OMIM 613105.
Pigmentary retinal dystrophy. Also called: Fundus albipunctatus. Identifiers: Orphanet 227796, Orphanet 52427, MedGen C0311338, MONDO:0007639, OMIM 136880, HP:0030642.
Patterned macular dystrophy 1. Also called: BUTTERFLY DYSTROPHY OF RETINAL PIGMENT EPITHELIUM; MACULAR DYSTROPHY, BUTTERFLY-SHAPED PIGMENTARY. Identifiers: Orphanet 99001, MedGen C4551999, MONDO:0008210, OMIM 169150.
Cone-rod dystrophy. Also called: Cone/cone-rod dystrophy; Cone-rod degeneration. Identifiers: Orphanet 1872, MedGen C4085590, MONDO:0015993, HP:0000548.
Adult-onset foveomacular vitelliform dystrophy. Also called: Adult onset vitelliform dystrophy; FOVEOMACULAR DYSTROPHY, ADULT-ONSET, WITH OR WITHOUT CHOROIDAL NEOVASCULARIZATION; FOVEOMACULAR DYSTROPHY, ADULT-ONSET. Identifiers: Orphanet 99000, MedGen C1842914, MONDO:0011979.
PRPH2-related disorder. Also called: PRPH2-related condition; PRPH2-related disorders. Identifiers: MedGen CN239395.

Allele frequency attached by ClinVar (database versions not stated): gnomAD 0.00002 and 0.00005; TOPMed 0.00003; gnomAD exomes 0.00004 and 0.00009; ExAC 0.00005; 1000 Genomes Project 30x 0.00016; 1000 Genomes Project 0.00020.

Submissions (10):

Labcorp Genetics (formerly Invitae), Labcorp
Classification: Likely pathogenic for PRPH2-related disorder. Last evaluated: 2025-10-13. Review status: criteria provided, single submitter. Criteria: Invitae Variant Classification Sherloc (09022015). Collection method: clinical testing. Allele origin: germline.
Comment: This sequence change replaces methionine, which is neutral and non-polar, with valine, which is neutral and non-polar, at codon 152 of the PRPH2 protein (p.Met152Val). This variant is present in population databases (rs146703538, gnomAD 0.02%). This missense change has been observed in individuals with retinitis pigmentosa (PMID: 31213501). ClinVar contains an entry for this variant (Variation ID: 846922). Invitae Evidence Modeling of protein sequence and biophysical properties (such as structural, functional, and spatial information, amino acid conservation, physicochemical variation, residue mobility, and thermodynamic stability) has been performed for this missense variant. However, the output from this modeling did not meet the statistical confidence thresholds required to predict the impact of this variant on PRPH2 protein function. In summary, the currently available evidence indicates that the variant is pathogenic, but additional data are needed to prove that conclusively. Therefore, this variant has been classified as Likely Pathogenic.

Dept Of Ophthalmology, Nagoya University
Classification: Benign for Retinal dystrophy. Last evaluated: 2023-10-01. Review status: criteria provided, single submitter. Criteria: Submitter's publication. Collection method: research. Allele origin: germline. Affected: yes.

Institute of Human Genetics, Univ. Regensburg, Univ. Regensburg
Classification: Likely pathogenic for Retinal dystrophy. Last evaluated: 2020-01-01. Review status: criteria provided, single submitter. Criteria: ACMG Guidelines, 2015. Collection method: clinical testing. Allele origin: germline. Affected: yes.

Illumina Laboratory Services, Illumina
Classification: Uncertain significance for Retinitis pigmentosa. Last evaluated: 2017-04-27. Review status: criteria provided, single submitter. Criteria: ICSL Variant Classification Criteria 13 December 2019. Collection method: clinical testing. Allele origin: germline.
Comment: This variant was observed as part of a predisposition screen in an ostensibly healthy population. A literature search was performed for the gene, cDNA change, and amino acid change (where applicable). Publications were found based on this search. However, the evidence from the literature, in combination with allele frequency data from public databases where available, was not sufficient to rule this variant in or out of causing disease. Therefore, this variant is classified as a variant of unknown significance.

Illumina Laboratory Services, Illumina
Classification: Benign for Vitelliform macular dystrophy 3. Last evaluated: 2017-04-27. Review status: criteria provided, single submitter. Criteria: ICSL Variant Classification Criteria 13 December 2019. Collection method: clinical testing. Allele origin: germline.
Comment: This variant was observed as part of a predisposition screen in an ostensibly healthy population. A literature search was performed for the gene, cDNA change, and amino acid change (where applicable). No publications were found based on this search. Allele frequency data from public databases was too high to be consistent with this variant causing disease. Therefore, this variant is classified as benign.

Illumina Laboratory Services, Illumina
Classification: Uncertain significance for Pigmentary retinal dystrophy. Last evaluated: 2017-04-27. Review status: criteria provided, single submitter. Criteria: ICSL Variant Classification Criteria 13 December 2019. Collection method: clinical testing. Allele origin: germline.

Illumina Laboratory Services, Illumina
Classification: Uncertain significance for Choroidal dystrophy, central areolar 2. Last evaluated: 2017-04-27. Review status: criteria provided, single submitter. Criteria: ICSL Variant Classification Criteria 13 December 2019. Collection method: clinical testing. Allele origin: germline.

Illumina Laboratory Services, Illumina
Classification: Likely benign for Cone-rod dystrophy. Last evaluated: 2017-04-27. Review status: criteria provided, single submitter. Criteria: ICSL Variant Classification Criteria 13 December 2019. Collection method: clinical testing. Allele origin: germline.
Comment: This variant was observed as part of a predisposition screen in an ostensibly healthy population. A literature search was performed for the gene, cDNA change, and amino acid change (where applicable). No publications were found based on this search. Allele frequency data from public databases allowed determination this variant is unlikely to cause disease. Therefore, this variant is classified as likely benign.

Illumina Laboratory Services, Illumina
Classification: Uncertain significance for Patterned macular dystrophy 1. Last evaluated: 2017-04-27. Review status: criteria provided, single submitter. Criteria: ICSL Variant Classification Criteria 13 December 2019. Collection method: clinical testing. Allele origin: germline.

Leiden Open Variation Database
Classification: Uncertain significance. Last evaluated: 2021-06-04. Review status: no assertion criteria provided. Collection method: curation. Allele origin: germline. Affected: yes. Not counted in ClinVar's aggregate classification.
Comment: Curator: Global Variome, with Curator vacancy. Submitters to LOVD: LOVD, Manon Peeters, Yoshito Koyanagi.

Literature cited by the submitters: PubMed 31213501 (cited by Labcorp Genetics (formerly Invitae), Labcorp and Leiden Open Variation Database); PubMed 18310263 (cited by 3 submitters); PubMed 3441139 (cited by Institute of Human Genetics, Univ. Regensburg, Univ. Regensburg); PubMed 25268133 (cited by Leiden Open Variation Database).